The following is an entry in ClinVar:

NM_004483.5(GCSH):c.425G>T (p.Gly142Val)

Gene: GCSH (glycine cleavage system protein H; minus strand). Cytogenetic location: 16q23.2.
Variant type: single nucleotide variant.
Coding change: c.425G>T on transcript NM_004483.5 (MANE Select); coding-DNA position 425, G replaced by T.
Protein change: p.Gly142Val; replaces glycine 142 with valine.
Molecular consequence: missense variant. On other transcripts: non-coding transcript variant (1).
Genome position (GRCh38, 1-based): chr16:81,082,963, C>A on the plus strand (G>T on the coding strand, the complement: GCSH is on the minus strand). VCF-style: chr16-81082963-C-A. GRCh37 (hg19) VCF-style: chr16-81116568-C-A.
Other names: short protein forms G142V.
Identifiers: ClinVar variation 1705369 (VCV001705369.1), dbSNP rs746937065, ClinGen allele CA8186702.
Genomic context (GRCh38, chr16:81,082,963, plus strand): 5'-TCTTCACTCATAAGTTCATCTAGTTCTGAAGGGTTACTCAGTGTCATCTTGATCAGCCAA[C>A]CTGCAACCAAAAGACAACCTTATATTCCACATTAACTTTTTAAAAAGTCAAATTCATCCA-3'
Protein context (NP_004474.2, residues 132-152): GLVNKSCYED[Gly142Val]WLIKMTLSNP

ClinVar aggregate classification (germline): Uncertain significance (1 of 4 stars; one submission).

Conditions:
Glycine encephalopathy. Also called: Non-ketotic hyperglycinemia; Nonketotic hyperglycinemia. Identifiers: Orphanet 407, MedGen C0751748, MONDO:0011612, HP:0008288.

Allele frequency attached by ClinVar (database versions not stated): gnomAD exomes below 0.00001; ExAC 0.00001.
gnomAD v4.1: 3 of 1,574,498 alleles (0.00019%); highest among the groups gnomAD compares: Admixed American, 0.0017%; no homozygotes.

Submission:

3billion
Classification: Uncertain significance for Glycine encephalopathy 1. Last evaluated: 2022-09-01. Review status: criteria provided, single submitter. Criteria: ACMG Guidelines, 2015. Collection method: clinical testing. Allele origin: germline. Affected: yes. Observed: 1 heterozygote.
Comment: The variant is observed at an extremely low frequency in the gnomAD v2.1.1 dataset (total allele frequency: <0.001%). In silico tool predictions suggest damaging effect of the variant on gene or gene product (REVEL: 0.83; 3Cnet: 0.94). Therefore, this variant is classified as uncertain significance according to the recommendation of ACMG/AMP guideline.